The following is an entry in ClinVar:

NM_000091.5(COL4A3):c.4984T>C (p.Cys1662Arg)

Genes: COL4A3 (collagen type IV alpha 3 chain; plus strand), MFF-DT (MFF divergent transcript; minus strand). Cytogenetic location: 2q36.3.
Variant type: single nucleotide variant.
Coding change: c.4984T>C on transcript NM_000091.5 (MANE Select); coding-DNA position 4984, T replaced by C.
Protein change: p.Cys1662Arg; replaces cysteine 1662 with arginine.
Molecular consequence: missense variant.
Genome position (GRCh38, 1-based): chr2:227,311,841, T>C. VCF-style: chr2-227311841-T-C. GRCh37 (hg19) VCF-style: chr2-228176557-T-C.
Other names: short protein forms C1662R.
Identifiers: ClinVar variation 5002866 (VCV005002866.1).

ClinVar aggregate classification (germline): Conflicting classifications of pathogenicity. Review status: criteria provided, conflicting classifications (1 of 4 stars). 2 submissions from 2 submitters: Likely pathogenic (1); Uncertain significance (1). Last evaluated 2026-08-06.

Conditions:
Hematuria, benign familial, 2 (BFH2). Identifiers: MedGen C5830421, MONDO:0958186, OMIM 620320.
Alport syndrome. Also called: Hemorrhagic familial nephritis; Hemorrhagic hereditary nephritis; Congenital hereditary hematuria. Identifiers: Orphanet 63, MedGen C1567741, MONDO:0018965.

Submissions (2):

OLLIN Analises Genomicas, OLLIN
Classification: Likely pathogenic for Hematuria, benign familial, 2. Last evaluated: 2026-08-06. Review status: criteria provided, single submitter. Criteria: ACMG Guidelines 2015 PMID 25741868. Collection method: clinical testing. Allele origin: germline. Inheritance: Autosomal dominant inheritance.
Comment: This missense variant, located in exon 52 (of 52), is absent from gnomAD and ClinVar and has not been identified in the literature. In silico analysis predicts that this variant has a deleterious effect. This gene is constrained for missense variation. According to the currently available evidence, this variant has been classified as likely pathogenic (PM2_P, PP2, PP3_S).

Myriad Genetics, Inc.
Classification: Uncertain significance for Alport syndrome. Last evaluated: 2025-12-30. Review status: criteria provided, single submitter. Criteria: Myriad Autosomal Dominant, Autosomal Recessive and X-Linked Classification Criteria (2023). Collection method: clinical testing. Allele origin: unknown.
Comment: NM_000091.4(COL4A3):c.4984T>C(C1662R) is a missense variant classified as a variant of uncertain significance in the context of Alport syndrome, COL4A3-related. C1662R has not been observed in cases with relevant disease. Relevant functional assessments of this variant are not available in the literature. C1662R has not been observed in referenced population frequency databases. In summary, there is insufficient evidence to classify NM_000091.4(COL4A3):c.4984T>C(C1662R) as pathogenic or benign. Please note: this variant was assessed in the context of healthy population screening.